The following is an entry in ClinVar:

ClinVar aggregate classification (germline): Pathogenic (1 of 4 stars; one submission).

Conditions:
Alport syndrome. Also called: Hemorrhagic familial nephritis; Hemorrhagic hereditary nephritis; Congenital hereditary hematuria. Identifiers: Orphanet 63, MedGen C1567741, MONDO:0018965.

Submission:

Myriad Genetics, Inc.
Classification: Pathogenic for Alport syndrome. Last evaluated: 2023-09-15. Review status: criteria provided, single submitter. Criteria: Myriad Autosomal Dominant, Autosomal Recessive and X-Linked Classification Criteria (2023). Collection method: clinical testing. Allele origin: unknown.
Comment: NM_000092.4(COL4A4):c.3416_3417delGG(G1139Afs*50) is expected to be pathogenic in the context of Alport syndrome, COL4A4-related. This variant is predicted to lead to an abnormal or absent protein product due to the creation of a premature termination codon in COL4A4, a gene where loss-of-function variants are known to be pathogenic. Please note: this variant was assessed in the context of healthy population screening.

NM_000092.5(COL4A4):c.3416_3417del (p.Gly1139fs)

Gene: COL4A4 (collagen type IV alpha 4 chain; minus strand). Cytogenetic location: 2q36.3.
Variant type: Deletion.
Coding change: c.3416_3417del on transcript NM_000092.5 (MANE Select); coding-DNA positions 3416 to 3417, 2 bases deleted (GG; older notation c.3416_3417delGG).
Protein change: p.Gly1139fs; shifts the reading frame from glycine 1139.
Molecular consequence: frameshift variant.
Genome position (GRCh38, 1-based): chr2:227,042,236-227,042,237, CC deleted on the plus strand (GG on the coding strand, the reverse complement: COL4A4 is on the minus strand); deleting any 2 consecutive bases within chr2:227,042,236-227,042,238 gives the same sequence; the c. name uses the placement nearest the transcript's 3' end. VCF-style (leftmost placement, unchanged base first): chr2-227042235-GCC-G. GRCh37 (hg19) VCF-style: chr2-227906951-GCC-G.
Other names: short protein forms G1139fs.
Identifiers: ClinVar variation 5011676 (VCV005011676.1).